The following is an entry in ClinVar:

ClinVar aggregate classification (germline): Benign. Review status: criteria provided, single submitter (1 of 4 stars). 2 submissions from 1 submitter: Benign (2). Last evaluated 2018-01-13.

Conditions:
Tietz syndrome (TADS). Also called: ALBINISM-DEAFNESS OF TIETZ; HYPOPIGMENTATION/DEAFNESS OF TIETZ; TIETZ ALBINISM-DEAFNESS SYNDROME. Identifiers: Orphanet 42665, MedGen C0391816, MONDO:0007077, OMIM 103500.
Waardenburg syndrome type 2A (WS2A). Also called: WAARDENBURG SYNDROME WITHOUT DYSTOPIA CANTHORUM. Identifiers: Orphanet 3440, MedGen C1860339, MONDO:0008671, OMIM 193510.

Allele frequency attached by ClinVar (database versions not stated): gnomAD exomes 0.00163; 1000 Genomes Project 30x 0.00812; 1000 Genomes Project 0.00819; gnomAD 0.00948 and 0.01047; TOPMed 0.01162.
gnomAD v4.1: 1,576 of 233,262 alleles (0.68%); highest among the groups gnomAD compares: African/African-American, 3.2%; 21 homozygotes.

Submissions (2):

Illumina Laboratory Services, Illumina
Classification: Benign for Waardenburg syndrome type 2A. Last evaluated: 2018-01-13. Review status: criteria provided, single submitter. Criteria: ICSL Variant Classification Criteria 13 December 2019. Collection method: clinical testing. Allele origin: germline.
Comment: This variant was observed in the ICSL laboratory as part of a predisposition screen in an ostensibly healthy population. It had not been previously curated by ICSL or reported in the Human Gene Mutation Database (HGMD: prior to June 1st, 2018), and was therefore a candidate for classification through an automated scoring system. Utilizing variant allele frequency, disease prevalence and penetrance estimates, and inheritance mode, an automated score was calculated to assess if this variant is too frequent to cause the disease. Based on the score and internal cut-off values, a variant classified as benign is not then subjected to further curation. The score for this variant resulted in a classification of benign for this disease.

Illumina Laboratory Services, Illumina
Classification: Benign for Tietz syndrome. Last evaluated: 2018-01-13. Review status: criteria provided, single submitter. Criteria: ICSL Variant Classification Criteria 13 December 2019. Collection method: clinical testing. Allele origin: germline.
Comment: the same text as in the submission from Illumina Laboratory Services, Illumina above.

NM_001354604.2(MITF):c.*2170A>G

Gene: MITF (melanocyte inducing transcription factor; plus strand). Cytogenetic location: 3p13.
Variant type: single nucleotide variant.
Coding change: c.*2170A>G on transcript NM_001354604.2 (MANE Select); 2170 bases downstream of the stop codon, A replaced by G.
Molecular consequence: 3 prime UTR variant.
Genome position (GRCh38, 1-based): chr3:69,967,418, A>G. VCF-style: chr3-69967418-A-G. GRCh37 (hg19) VCF-style: chr3-70016569-A-G.
Other names: c.*2170A>G (NM_000248.4, NM_001184967.2, NM_001354605.2 and 8 more transcripts).
Identifiers: ClinVar variation 346536 (VCV000346536.5), dbSNP rs78240629, ClinGen allele CA10619471.